The following is an entry in ClinVar:

NM_000368.5(TSC1):c.2446A>T (p.Lys816Ter)

Gene: TSC1 (TSC complex subunit 1; minus strand). Cytogenetic location: 9q34.13.
Variant type: single nucleotide variant.
Coding change: c.2446A>T on transcript NM_000368.5 (MANE Select); coding-DNA position 2446, A replaced by T.
Protein change: p.Lys816Ter; replaces lysine 816 with a stop codon.
Molecular consequence: nonsense.
Genome position (GRCh38, 1-based): chr9:132,901,645, T>A on the plus strand (A>T on the coding strand, the complement: TSC1 is on the minus strand). VCF-style: chr9-132901645-T-A. GRCh37 (hg19) VCF-style: chr9-135777032-T-A.
Other names: c.2443A>T, p.Lys815Ter (NM_001162426.2); c.2293A>T, p.Lys765Ter (NM_001162427.2); c.2083A>T, p.Lys695Ter (NM_001362177.2); short protein forms K695*, K765*, K815*, K816*.
Identifiers: ClinVar variation 667420 (VCV000667420.4), dbSNP rs1588299158, ClinGen allele CA375358564.
Genomic context (GRCh38, chr9:132,901,645, plus strand): 5'-TTACCTTTTGGGAAACCTGACTGAGCAGCAGCTCAGTGTGACACACCTTGTTGTTGGCCT[T>A]CTTCAGTTCTATCCGCAGCTCCGCAATCATGTTCCTGCAGTCCTCCAGCTTCGTCTGCCC-3'

ClinVar aggregate classification (germline): Pathogenic (1 of 4 stars; one submission).

Conditions:
Tuberous sclerosis syndrome (TSC). Also called: Tuberous sclerosis; Tuberous Sclerosis Complex. Identifiers: Orphanet 805, MedGen C0041341, MONDO:0001734.

Submission:

Laboratory for Molecular Medicine, Mass General Brigham Personalized Medicine
Classification: Pathogenic for Tuberous sclerosis syndrome. Last evaluated: 2018-04-27. Review status: criteria provided, single submitter. Criteria: LMM Criteria. Collection method: clinical testing. Allele origin: germline. Inheritance: Autosomal dominant inheritance. Observed: 1 variant allele.
Comment: The p.Lys816X variant in TSC1 has been reported in one individual with tuberous sclerosis complex (TSC) in the tuberous sclerosis LOVD database (/LOVD2/TSC/) and was absent from large population studies. This nonsense variant leads to a premature termination codon at position 816, which is predicted to lead to a truncated or absent protein. Heterozygous loss of func tion of the TSC1 gene is an established disease mechanism in individuals with TS C. In summary, this variant meets criteria to be classified as pathogenic for tu berous sclerosis complex in an autosomal dominant manner based upon predicted im pact on the protein and absence in the general population. ACMG/AMP Criteria app lied: PVS1, PM2, PS4_Supporting.